The following is an entry in ClinVar:

NM_201384.3(PLEC):c.13562C>T (p.Ser4521Phe)

Gene: PLEC (plectin; minus strand). Cytogenetic location: 8q24.3.
Variant type: single nucleotide variant.
Coding change: c.13562C>T on transcript NM_201384.3 (MANE Select); coding-DNA position 13562, C replaced by T.
Protein change: p.Ser4521Phe; replaces serine 4521 with phenylalanine.
Molecular consequence: missense variant.
Genome position (GRCh38, 1-based): chr8:143,916,259, G>A on the plus strand (C>T on the coding strand, the complement: PLEC is on the minus strand). VCF-style: chr8-143916259-G-A. GRCh37 (hg19) VCF-style: chr8-144990427-G-A.
Other names: c.13643C>T, p.Ser4548Phe (NM_000445.5); c.13520C>T, p.Ser4507Phe (NM_201378.4); c.13496C>T, p.Ser4499Phe (NM_201379.3); c.13973C>T, p.Ser4658Phe (NM_201380.4); c.13466C>T, p.Ser4489Phe (NM_201381.3); c.13562C>T, p.Ser4521Phe (NM_201382.4); c.13574C>T, p.Ser4525Phe (NM_201383.3); short protein forms S4489F, S4525F, S4658F, S4521F, S4548F, S4499F, S4507F.
Identifiers: ClinVar variation 643984 (VCV000643984.9), dbSNP rs1052855071, ClinGen allele CA187605997.

ClinVar aggregate classification (germline): Uncertain significance (1 of 4 stars; one submission).

Conditions:
Epidermolysis bullosa simplex, Ogna type (EBS5A). Also called: Pidermolysis bullosa simplex 5A, Ogna type; EPIDERMOLYSIS BULLOSA SIMPLEX 5A, OGNA TYPE. Identifiers: Orphanet 79401, MedGen C0432317, MONDO:0007555, OMIM 131950.
Autosomal recessive limb-girdle muscular dystrophy type 2Q (LGMDR17). Also called: MUSCULAR DYSTROPHY, LIMB-GIRDLE, AUTOSOMAL RECESSIVE 17. Identifiers: Orphanet 254361, MedGen C3150989, MONDO:0013390, OMIM 613723.
Epidermolysis bullosa simplex with nail dystrophy (EBS5D). Identifiers: MedGen C4225309, MONDO:0014661, OMIM 616487.
Epidermolysis bullosa simplex 5B, with muscular dystrophy (EBS5B). Also called: Epidermolysis bullosa simplex with muscular dystrophy; EPIDERMOLYSIS BULLOSA SIMPLEX AND LIMB-GIRDLE MUSCULAR DYSTROPHY. Identifiers: Orphanet 257, MedGen C2931072, MONDO:0009181, OMIM 226670.
Epidermolysis bullosa simplex 5C, with pyloric atresia (EBS5C). Also called: PLEC-Related Epidermolysis Bullosa with Pyloric Atresia; Epidermolysis bullosa simplex with pyloric atresia; PLEC1-Related Epidermolysis Bullosa with Pyloric Atresia. Identifiers: Orphanet 158684, MedGen C2677349, MONDO:0012807, OMIM 612138.

Submission:

Labcorp Genetics (formerly Invitae), Labcorp
Classification: Uncertain significance for Autosomal recessive limb-girdle muscular dystrophy type 2Q; Epidermolysis bullosa simplex, Ogna type; Epidermolysis bullosa simplex with nail dystrophy; Epidermolysis bullosa simplex 5C, with pyloric atresia; Epidermolysis bullosa simplex 5B, with muscular dystrophy. Last evaluated: 2018-11-07. Review status: criteria provided, single submitter. Criteria: Invitae Variant Classification Sherloc (09022015). Collection method: clinical testing. Allele origin: germline.
Comment: In summary, the available evidence is currently insufficient to determine the role of this variant in disease. Therefore, it has been classified as a Variant of Uncertain Significance. Algorithms developed to predict the effect of missense changes on protein structure and function are either unavailable or do not agree on the potential impact of this missense change (SIFT: "Deleterious"; PolyPhen-2: "Not Available"; Align-GVGD: "Class C65"). This variant has not been reported in the literature in individuals with PLEC-related disease. The frequency data for this variant in the population databases is considered unreliable, as metrics indicate insufficient coverage at this position in the ExAC database. This sequence change replaces serine with phenylalanine at codon 4548 of the PLEC protein (p.Ser4548Phe). The serine residue is highly conserved and there is a large physicochemical difference between serine and phenylalanine.